The following is an entry in ClinVar:

ClinVar aggregate classification (germline): Uncertain significance (1 of 4 stars; one submission).

gnomAD v4.1: 25 of 1,613,964 alleles (0.0015%); highest among the groups gnomAD compares: Admixed American, 0.0067%; no homozygotes.

Submission:

Women's Health and Genetics/Laboratory Corporation of America, LabCorp
Classification: Uncertain significance. Last evaluated: 2025-09-22. Review status: criteria provided, single submitter. Criteria: LabCorp Variant Classification Summary - May 2015. Collection method: clinical testing. Allele origin: germline.
Comment: Variant summary: IGF1R c.3394G>A (p.Val1132Ile) results in a conservative amino acid change in the encoded protein sequence. Algorithms developed to predict the effect of missense changes on protein structure and function are either unavailable or do not agree on the potential impact of this missense change. The variant allele was found at a frequency of 2e-05 in 251474 control chromosomes. The available data on variant occurrences in the general population are insufficient to allow any conclusion about variant significance. To our knowledge, no occurrence of c.3394G>A in individuals affected with IGF1R-related conditions and no experimental evidence demonstrating its impact on protein function have been reported. No submitters have cited clinical-significance assessments for this variant to ClinVar. Based on the evidence outlined above, the variant was classified as uncertain significance.

NM_000875.5(IGF1R):c.3394G>A (p.Val1132Ile)

Gene: IGF1R (insulin like growth factor 1 receptor; plus strand). Cytogenetic location: 15q26.3.
Variant type: single nucleotide variant.
Coding change: c.3394G>A on transcript NM_000875.5 (MANE Select); coding-DNA position 3394, G replaced by A.
Protein change: p.Val1132Ile; replaces valine 1132 with isoleucine.
Molecular consequence: missense variant.
Genome position (GRCh38, 1-based): chr15:98,939,297, G>A. VCF-style: chr15-98939297-G-A. GRCh37 (hg19) VCF-style: chr15-99482526-G-A.
Other names: c.3391G>A, p.Val1131Ile (NM_001291858.2); short protein forms V1131I, V1132I.
Identifiers: ClinVar variation 4536081 (VCV004536081.1).